The following is an entry in ClinVar:

NM_001613.4(ACTA2):c.917C>A (p.Thr306Asn)

Genes: ACTA2-AS1 (ACTA2 antisense RNA 1; plus strand), ACTA2 (actin alpha 2, smooth muscle; minus strand). Cytogenetic location: 10q23.31.
Variant type: single nucleotide variant.
Coding change: c.917C>A on transcript NM_001613.4 (MANE Select); coding-DNA position 917, C replaced by A.
Protein change: p.Thr306Asn; replaces threonine 306 with asparagine.
Molecular consequence: missense variant.
Genome position (GRCh38, 1-based): chr10:88,938,134, G>T on the plus strand (C>A on the coding strand, the complement: ACTA2 is on the minus strand). VCF-style: chr10-88938134-G-T. GRCh37 (hg19) VCF-style: chr10-90697891-G-T.
Other names: c.917C>A, p.Thr306Asn (NM_001406463.1, NM_001406464.1, NM_001141945.3 and 2 more transcripts); c.806C>A, p.Thr269Asn (NM_001406466.1); c.788C>A, p.Thr263Asn (NM_001406467.1, NM_001406468.1, NM_001406469.1); c.725C>A, p.Thr242Asn (NM_001406471.1); short protein forms T242N, T269N, T306N, T263N.
Identifiers: ClinVar variation 2763903 (VCV002763903.3), dbSNP rs1325949532, ClinGen allele CA377510799.

ClinVar aggregate classification (germline): Uncertain significance (1 of 4 stars; one submission).

Conditions:
Aortic aneurysm, familial thoracic 6 (AAT6). Also called: FAMILIAL THORACIC AORTIC ANEURYSM WITH LIVEDO RETICULARIS AND IRIS FLOCCULI. Identifiers: MedGen C2673186, MONDO:0012730, OMIM 611788.

Submission:

Labcorp Genetics (formerly Invitae), Labcorp
Classification: Uncertain significance for Aortic aneurysm, familial thoracic 6. Last evaluated: 2023-09-27. Review status: criteria provided, single submitter. Criteria: Invitae Variant Classification Sherloc (09022015). Collection method: clinical testing. Allele origin: germline.
Comment: This sequence change replaces threonine, which is neutral and polar, with asparagine, which is neutral and polar, at codon 306 of the ACTA2 protein (p.Thr306Asn). This variant is present in population databases (no rsID available, gnomAD 0.003%). This variant has not been reported in the literature in individuals affected with ACTA2-related conditions. Advanced modeling of protein sequence and biophysical properties (such as structural, functional, and spatial information, amino acid conservation, physicochemical variation, residue mobility, and thermodynamic stability) performed at Invitae indicates that this missense variant is expected to disrupt ACTA2 protein function. In summary, the available evidence is currently insufficient to determine the role of this variant in disease. Therefore, it has been classified as a Variant of Uncertain Significance.